The following is an entry in ClinVar:

ClinVar aggregate classification (germline): Uncertain significance. Review status: criteria provided, multiple submitters, no conflicts (2 of 4 stars). 2 submissions from 2 submitters: Uncertain significance (2). Last evaluated 2024-10-06.

Conditions:
Inborn genetic diseases. Identifiers: MedGen C0950123, MeSH D030342.
Combined oxidative phosphorylation defect type 27. Also called: Combined oxidative phosphorylation deficiency 27. Identifiers: Orphanet 477774, MedGen C5567608, MONDO:0014728, OMIM 616672.

Allele frequency attached by ClinVar (database versions not stated): TOPMed below 0.00001; gnomAD 0.00001; gnomAD exomes 0.00001.
gnomAD v4.1: 22 of 1,613,082 alleles (0.0014%); highest among the groups gnomAD compares: Non-Finnish European, 0.0018%; no homozygotes.

Submissions (2):

Ambry Genetics
Classification: Uncertain significance for Inborn genetic diseases. Last evaluated: 2024-10-06. Review status: criteria provided, single submitter. Criteria: Ambry Variant Classification Scheme 2023. Collection method: clinical testing. Allele origin: germline.

Labcorp Genetics (formerly Invitae), Labcorp
Classification: Uncertain significance for Combined oxidative phosphorylation defect type 27. Last evaluated: 2022-04-07. Review status: criteria provided, single submitter. Criteria: Invitae Variant Classification Sherloc (09022015). Collection method: clinical testing. Allele origin: germline.
Comment: This sequence change replaces methionine, which is neutral and non-polar, with isoleucine, which is neutral and non-polar, at codon 360 of the CARS2 protein (p.Met360Ile). This variant is not present in population databases (gnomAD no frequency). This variant has not been reported in the literature in individuals affected with CARS2-related conditions. ClinVar contains an entry for this variant (Variation ID: 1060988). Algorithms developed to predict the effect of missense changes on protein structure and function are either unavailable or do not agree on the potential impact of this missense change (SIFT: "Tolerated"; PolyPhen-2: "Possibly Damaging"; Align-GVGD: "Class C0"). In summary, the available evidence is currently insufficient to determine the role of this variant in disease. Therefore, it has been classified as a Variant of Uncertain Significance.

NM_024537.4(CARS2):c.1080G>A (p.Met360Ile)

Gene: CARS2 (cysteinyl-tRNA synthetase 2, mitochondrial; minus strand). Cytogenetic location: 13q34.
Variant type: single nucleotide variant.
Coding change: c.1080G>A on transcript NM_024537.4 (MANE Select); coding-DNA position 1080, G replaced by A.
Protein change: p.Met360Ile; replaces methionine 360 with isoleucine.
Molecular consequence: missense variant. On other transcripts: non-coding transcript variant (2).
Genome position (GRCh38, 1-based): chr13:110,647,214, C>T on the plus strand (G>A on the coding strand, the complement: CARS2 is on the minus strand). VCF-style: chr13-110647214-C-T. GRCh37 (hg19) VCF-style: chr13-111299561-C-T.
Other names: c.294G>A, p.Met98Ile (NM_001352252.2); c.1080G>A (NM_024537.2); short protein forms M360I, M98I.
Identifiers: ClinVar variation 1060988 (VCV001060988.7), dbSNP rs1888255028, ClinGen allele CA388744312.